The following is an entry in ClinVar:

NM_004656.4(BAP1):c.1497C>T (p.Ile499=)

Gene: BAP1 (BRCA1 associated deubiquitinase 1; minus strand). Cytogenetic location: 3p21.1.
Variant type: single nucleotide variant.
Coding change: c.1497C>T on transcript NM_004656.4 (MANE Select); coding-DNA position 1497, C replaced by T.
Protein change: p.Ile499=; no amino-acid change (isoleucine 499 retained).
Molecular consequence: synonymous variant.
Genome position (GRCh38, 1-based): chr3:52,403,648, G>A on the plus strand (C>T on the coding strand, the complement: BAP1 is on the minus strand). VCF-style: chr3-52403648-G-A. GRCh37 (hg19) VCF-style: chr3-52437664-G-A.
Other names: c.1497C>T (LRG_529t1).
Identifiers: ClinVar variation 346117 (VCV000346117.26), dbSNP rs777417522, ClinGen allele CA2436792.

ClinVar aggregate classification (germline): Benign/Likely benign. Review status: criteria provided, multiple submitters, no conflicts (2 of 4 stars). 8 submissions from 8 submitters: Benign (1); Likely benign (7). Last evaluated 2026-07-22.

Conditions:
BAP1-related tumor predisposition syndrome (TPDS1). Also called: TUMOR PREDISPOSITION SYNDROME 1; COMMON Syndrome; BAP1 tumor predisposition syndrome; Tumor susceptibility linked to germline BAP1 mutations. Identifiers: Orphanet 289539, MedGen C3280492, MONDO:0013692, OMIM 614327.
Hereditary cancer-predisposing syndrome. Also called: Hereditary neoplastic syndrome; Neoplastic Syndromes, Hereditary; Hereditary Cancer Syndrome; Tumor predisposition. Identifiers: Orphanet 140162, MedGen C0027672, MeSH D009386, MONDO:0015356.
BAP1-related disorder. Also called: BAP1-related condition.

Allele frequency attached by ClinVar (database versions not stated): gnomAD 0.00004 and 0.00005; gnomAD exomes 0.00005; TOPMed 0.00005; ExAC 0.00006.
gnomAD v4.1: 96 of 1,613,596 alleles (0.0059%); highest among the groups gnomAD compares: African/African-American, 0.0093%; no homozygotes.

Submissions (8):

PreventionGenetics, part of Exact Sciences
Classification: Likely benign for BAP1-related condition. Last evaluated: 2026-07-22. Review status: criteria provided, single submitter. Criteria: ACMG Guidelines, 2015. Collection method: clinical testing. Allele origin: germline.
Comment: This variant is classified as likely benign based on ACMG/AMP sequence variant interpretation guidelines (Richards et al. 2015 PMID: 25741868, with internal and published modifications).

Labcorp Genetics (formerly Invitae), Labcorp
Classification: Likely benign for BAP1-related tumor predisposition syndrome. Last evaluated: 2026-02-02. Review status: criteria provided, single submitter. Criteria: Invitae Variant Classification Sherloc (09022015). Collection method: clinical testing. Allele origin: germline.

Center for Genomic Medicine, Rigshospitalet, Copenhagen University Hospital
Classification: Likely benign. Last evaluated: 2025-12-29. Review status: criteria provided, single submitter. Criteria: ACMG Guidelines, 2015. Collection method: clinical testing. Allele origin: germline.

Myriad Genetics, Inc.
Classification: Benign for BAP1-related tumor predisposition syndrome. Last evaluated: 2024-07-16. Review status: criteria provided, single submitter. Criteria: Myriad Autosomal Dominant, Autosomal Recessive and X-Linked Classification Criteria (2023). Collection method: clinical testing. Allele origin: unknown.
Comment: This variant is considered benign. This variant is a silent/synonymous amino acid change and it is not expected to impact splicing.

GeneDx
Classification: Likely benign. Last evaluated: 2019-10-03. Review status: criteria provided, single submitter. Criteria: GeneDx Variant Classification Process June 2021. Collection method: clinical testing. Allele origin: germline. Affected: yes.

Illumina Laboratory Services, Illumina
Classification: Likely benign for BAP1-related tumor predisposition syndrome. Last evaluated: 2018-01-12. Review status: criteria provided, single submitter. Criteria: ICSL Variant Classification Criteria 13 December 2019. Collection method: clinical testing. Allele origin: germline.
Comment: This variant was observed in the ICSL laboratory as part of a predisposition screen in an ostensibly healthy population. It had not been previously curated by ICSL or reported in the Human Gene Mutation Database (HGMD: prior to June 1st, 2018), and was therefore a candidate for classification through an automated scoring system. Utilizing variant allele frequency, disease prevalence and penetrance estimates, and inheritance mode, an automated score was calculated to assess if this variant is too frequent to cause the disease. Based on the score and internal cut-off values, a variant classified as likely benign is not then subjected to further curation. The score for this variant resulted in a classification of likely benign for this disease.

Color Diagnostics, LLC DBA Color Health
Classification: Likely benign for Hereditary cancer-predisposing syndrome. Last evaluated: 2017-02-23. Review status: criteria provided, single submitter. Criteria: ACMG Guidelines, 2015. Collection method: clinical testing. Allele origin: germline.

Ambry Genetics
Classification: Likely benign for Hereditary cancer-predisposing syndrome. Last evaluated: 2016-07-25. Review status: criteria provided, single submitter. Criteria: Ambry Variant Classification Scheme 2023. Collection method: clinical testing. Allele origin: germline.